The following is an entry in ClinVar:

ClinVar aggregate classification (germline): Pathogenic. Review status: criteria provided, multiple submitters, no conflicts (2 of 4 stars). 2 submissions from 2 submitters: Pathogenic (2). Last evaluated 2025-01-22.

Conditions:
Multiple congenital exostosis (EXT). Also called: Hereditary multiple exostoses; Hereditary multiple exostosis; Hereditary multiple osteochondromas; Multiple exostoses; Multiple osteochondromas; MULTIPLE CARTILAGINOUS EXOSTOSES. Identifiers: Orphanet 321, MedGen C0015306, MONDO:0005508, HP:0002762.

Submissions (2):

Women's Health and Genetics/Laboratory Corporation of America, LabCorp
Classification: Pathogenic for Multiple congenital exostosis. Last evaluated: 2025-01-22. Review status: criteria provided, single submitter. Criteria: LabCorp Variant Classification Summary - May 2015. Collection method: clinical testing. Allele origin: germline.
Comment: Variant summary: EXT1 c.1315_1337dup23 (p.Lys447HisfsX5) results in a premature termination codon, predicted to cause a truncation of the encoded protein or absence of the protein due to nonsense mediated decay, which are commonly known mechanisms for disease. The variant was absent in 250826 control chromosomes. To our knowledge, no occurrence of c.1315_1337dup23 in individuals affected with Multiple Congenital Exostosis and no experimental evidence demonstrating its impact on protein function have been reported. ClinVar contains an entry for this variant (Variation ID: 633198). Based on the evidence outlined above, the variant was classified as pathogenic.

Labcorp Genetics (formerly Invitae), Labcorp
Classification: Pathogenic for Multiple congenital exostosis. Last evaluated: 2021-09-21. Review status: criteria provided, single submitter. Criteria: Invitae Variant Classification Sherloc (09022015). Collection method: clinical testing. Allele origin: germline.
Comment: For these reasons, this variant has been classified as Pathogenic. Algorithms developed to predict the effect of sequence changes on RNA splicing suggest that this variant may create or strengthen a splice site. ClinVar contains an entry for this variant (Variation ID: 633198). This variant has not been reported in the literature in individuals affected with EXT1-related conditions. This variant is not present in population databases (ExAC no frequency). This sequence change creates a premature translational stop signal (p.Lys447Hisfs*5) in the EXT1 gene. It is expected to result in an absent or disrupted protein product. Loss-of-function variants in EXT1 are known to be pathogenic (PMID: 10679937, 11391482, 19810120).

Literature cited by the submitters: PubMed 10679937 (cited by Labcorp Genetics (formerly Invitae), Labcorp); PubMed 11391482 (cited by Labcorp Genetics (formerly Invitae), Labcorp); PubMed 19810120 (cited by Labcorp Genetics (formerly Invitae), Labcorp).

NM_000127.3(EXT1):c.1315_1337dup (p.Asn446_Lys447insHisValThrValTer)

Gene: EXT1 (exostosin glycosyltransferase 1; minus strand). Cytogenetic location: 8q24.11.
Variant type: Duplication.
Coding change: c.1315_1337dup on transcript NM_000127.3 (MANE Select); coding-DNA positions 1315 to 1337, 23 bases duplicated (TCACGTAACAGTTTAATATGGAA).
Protein change: p.Asn446_Lys447insHisValThrValTer.
Molecular consequence: nonsense, inframe insertion.
Genome position (GRCh38, 1-based): chr8:117,822,545-117,822,567, TTCCATATTAAACTGTTACGTGA duplicated on the plus strand (TCACGTAACAGTTTAATATGGAA on the coding strand, the reverse complement: EXT1 is on the minus strand); duplicating any 23 consecutive bases within chr8:117,822,545-117,822,568 gives the same sequence; the c. name uses the placement nearest the transcript's 3' end. VCF-style (leftmost placement, unchanged base first): chr8-117822544-G-GTTCCATATTAAACTGTTACGTGA. GRCh37 (hg19) VCF-style: chr8-118834783-G-GTTCCATATTAAACTGTTACGTGA.
Other names: c.1315_1337dup23 (NM_000127.3).
Identifiers: ClinVar variation 633198 (VCV000633198.8), dbSNP rs1563571296, ClinGen allele CA913189985.